The following is an entry in ClinVar:

ClinVar aggregate classification (germline): Pathogenic (1 of 4 stars; one submission).

Conditions:
Sitosterolemia (STSL). Also called: PHYTOSTEROLEMIA. Identifiers: Orphanet 2882, MedGen C0342907, MONDO:0008863.

Submission:

Labcorp Genetics (formerly Invitae), Labcorp
Classification: Pathogenic for Sitosterolemia. Last evaluated: 2023-06-04. Review status: criteria provided, single submitter. Criteria: Invitae Variant Classification Sherloc (09022015). Collection method: clinical testing. Allele origin: unknown.
Comment: For these reasons, this variant has been classified as Pathogenic. This variant has not been reported in the literature in individuals affected with ABCG5-related conditions. This variant is a gross deletion of the genomic region encompassing exon(s) 1 of the ABCG5 gene, which includes the initiator codon. This deletion extends beyond the assayed region for this gene and therefore may encompass additional genes. It is expected to result in an absent or disrupted protein product. Loss-of-function variants in ABCG5 are known to be pathogenic (PMID: 11138003, 25665839).

Literature cited by the submitters: PubMed 11138003; PubMed 25665839.

NC_000002.11:g.(?_44065656)_(44105052_?)del

Genes: ABCG5 (ATP binding cassette subfamily G member 5; minus strand), ABCG8 (ATP binding cassette subfamily G member 8; plus strand). Cytogenetic location: 2p21.
Variant type: Deletion.
Identifiers: ClinVar variation 3247168 (VCV003247168.1).